The following is an entry in ClinVar:

NM_000090.4(COL3A1):c.2909G>A (p.Ser970Asn)

Gene: COL3A1 (collagen type III alpha 1 chain; plus strand). Cytogenetic location: 2q32.2.
Variant type: single nucleotide variant.
Coding change: c.2909G>A on transcript NM_000090.4 (MANE Select); coding-DNA position 2909, G replaced by A.
Protein change: p.Ser970Asn; replaces serine 970 with asparagine.
Molecular consequence: missense variant.
Genome position (GRCh38, 1-based): chr2:189,004,342, G>A. VCF-style: chr2-189004342-G-A. GRCh37 (hg19) VCF-style: chr2-189869068-G-A.
Other names: short protein forms S970N.
Identifiers: ClinVar variation 4848653 (VCV004848653.1).

ClinVar aggregate classification (germline): Uncertain significance (1 of 4 stars; one submission).

Submission:

Women's Health and Genetics/Laboratory Corporation of America, LabCorp
Classification: Uncertain significance. Last evaluated: 2026-04-13. Review status: criteria provided, single submitter. Criteria: LabCorp Variant Classification Summary - May 2015. Collection method: clinical testing. Allele origin: germline.
Comment: Variant summary: COL3A1 c.2909G>A (p.Ser970Asn) results in a conservative amino acid change in the encoded protein sequence. Algorithms developed to predict the effect of missense changes on protein structure and function all suggest that this variant is likely to be tolerated. The frequency data for this variant in gnomAD is considered unreliable, as metrics indicate poor data quality at this position. To our knowledge, no occurrence of c.2909G>A in individuals affected with COL3A1-related conditions and no experimental evidence demonstrating its impact on protein function have been reported. No submitters have cited clinical-significance assessments for this variant to ClinVar. Based on the evidence outlined above, the variant was classified as uncertain significance.